The following is an entry in ClinVar:

ClinVar aggregate classification (germline): Benign/Likely benign. Review status: criteria provided, multiple submitters, no conflicts (2 of 4 stars). 2 submissions from 2 submitters: Benign (1); Likely benign (1). Last evaluated 2019-03-24.

Conditions:
Melanoma, cutaneous malignant, susceptibility to, 5. Also called: Cutaneous malignant melanoma 5. Identifiers: Orphanet 618, MedGen C2751295, MONDO:0013133, OMIM 613099.

Allele frequency attached by ClinVar (database versions not stated): gnomAD 0.02213 and 0.02355; TOPMed 0.02447; 1000 Genomes Project 0.02776; 1000 Genomes Project 30x 0.02920; gnomAD exomes 0.00386.

Submissions (2):

GeneDx
Classification: Benign. Last evaluated: 2019-03-24. Review status: criteria provided, single submitter. Criteria: GeneDx Variant Classification Process June 2021. Collection method: clinical testing. Allele origin: germline. Affected: yes.

Illumina Laboratory Services, Illumina
Classification: Likely benign for Melanoma, cutaneous malignant, susceptibility to, 5. Last evaluated: 2017-04-28. Review status: criteria provided, single submitter. Criteria: ICSL Variant Classification Criteria 13 December 2019. Collection method: clinical testing. Allele origin: germline.
Comment: This variant was observed as part of a predisposition screen in an ostensibly healthy population. A literature search was performed for the gene, cDNA change, and amino acid change (where applicable). Publications were found based on this search. The evidence from the literature, in combination with allele frequency data from public databases where available, was sufficient to determine this variant is unlikely to cause disease. Therefore, this variant is classified as likely benign.

Literature cited by the submitters: PubMed 20158590 (cited by Illumina Laboratory Services, Illumina).

NM_002386.3(MC1R):c.-1289C>T

Gene: MC1R (melanocortin 1 receptor; plus strand). Cytogenetic location: 16q24.3.
Variant type: single nucleotide variant.
Coding change: c.-1289C>T on transcript NM_002386.3; 1289 bases upstream of the start codon, C replaced by T.
Genome position (GRCh38, 1-based): chr16:89,917,970, C>T. VCF-style: chr16-89917970-C-T. GRCh37 (hg19) VCF-style: chr16-89984378-C-T.
Identifiers: ClinVar variation 321380 (VCV000321380.8), dbSNP rs3212355, ClinGen allele CA10648412.
Genomic context (GRCh38, chr16:89,917,970, plus strand): 5'-ACGCCCTGGAGTGAACCCAGGAAGATGCCTGCAGTGGGTGCCAGGGCCCCTCTCCACCGT[C>T]CCTGCTGGGCTTCGGGGCCACGCCCGACTGCTGTGAACGGCCTGCGGAGCACCACGTGCG-3'